The following is an entry in ClinVar:

ClinVar aggregate classification (germline): Uncertain significance. Review status: criteria provided, multiple submitters, no conflicts (2 of 4 stars). 2 submissions from 2 submitters: Uncertain significance (2). Last evaluated 2026-07-02.

Conditions:
Tuberous sclerosis 2 (TSC2). Identifiers: Orphanet 805, MedGen C1860707, MONDO:0013199, OMIM 613254.
Hereditary cancer-predisposing syndrome. Also called: Hereditary neoplastic syndrome; Neoplastic Syndromes, Hereditary; Tumor predisposition; Hereditary Cancer Syndrome. Identifiers: Orphanet 140162, MedGen C0027672, MeSH D009386, MONDO:0015356.

Submissions (2):

Ambry Genetics
Classification: Uncertain significance for Hereditary cancer-predisposing syndrome. Last evaluated: 2026-07-02. Review status: criteria provided, single submitter. Criteria: Ambry Variant Classification Scheme 2023. Collection method: clinical testing. Allele origin: germline.
Comment: The p.C1600W variant (also known as c.4800T>G), located in coding exon 36 of the TSC2 gene, results from a T to G substitution at nucleotide position 4800. The cysteine at codon 1600 is replaced by tryptophan, an amino acid with highly dissimilar properties. This amino acid position is conserved. In addition, the in silico prediction for this alteration is inconclusive. Based on the available evidence, the clinical significance of this variant remains unclear.

Labcorp Genetics (formerly Invitae), Labcorp
Classification: Uncertain significance for Tuberous sclerosis 2. Last evaluated: 2024-03-01. Review status: criteria provided, single submitter. Criteria: Invitae Variant Classification Sherloc (09022015). Collection method: clinical testing. Allele origin: germline.
Comment: This sequence change replaces cysteine, which is neutral and slightly polar, with tryptophan, which is neutral and slightly polar, at codon 1600 of the TSC2 protein (p.Cys1600Trp). This variant is not present in population databases (gnomAD no frequency). This variant has not been reported in the literature in individuals affected with TSC2-related conditions. Advanced modeling of protein sequence and biophysical properties (such as structural, functional, and spatial information, amino acid conservation, physicochemical variation, residue mobility, and thermodynamic stability) performed at Invitae indicates that this missense variant is not expected to disrupt TSC2 protein function with a negative predictive value of 95%. In summary, the available evidence is currently insufficient to determine the role of this variant in disease. Therefore, it has been classified as a Variant of Uncertain Significance.

NM_000548.5(TSC2):c.4800T>G (p.Cys1600Trp)

Gene: TSC2 (TSC complex subunit 2; plus strand). Cytogenetic location: 16p13.3.
Variant type: single nucleotide variant.
Coding change: c.4800T>G on transcript NM_000548.5 (MANE Select); coding-DNA position 4800, T replaced by G.
Protein change: p.Cys1600Trp; replaces cysteine 1600 with tryptophan.
Molecular consequence: missense variant. On other transcripts: non-coding transcript variant (5).
Genome position (GRCh38, 1-based): chr16:2,086,330, T>G. VCF-style: chr16-2086330-T-G. GRCh37 (hg19) VCF-style: chr16-2136331-T-G.
Other names: c.4599T>G, p.Cys1533Trp (NM_001077183.3); c.4731T>G, p.Cys1577Trp (NM_001114382.3); c.4491T>G, p.Cys1497Trp (NM_001318827.2); c.4455T>G, p.Cys1485Trp (NM_001318829.2); c.4068T>G, p.Cys1356Trp (NM_001318831.2); c.4632T>G, p.Cys1544Trp (NM_001318832.2); c.4602T>G, p.Cys1534Trp (NM_001363528.2); c.4668T>G, p.Cys1556Trp (NM_001370404.1); and 26 more; short protein forms C1109W, C1333W, C1334W, C1380W, C1514W, C1544W, C1599W, C999W.
Identifiers: ClinVar variation 3637249 (VCV003637249.3).
Genomic context (GRCh38, chr16:2,086,330, plus strand): 5'-GCTCATCGAGCTGAAGGACTGCCAGCCGGACAAGGTGTACCTGGGAGGCCTGGACGTGTG[T>G]GGTGAGGACGGCCAGTTCACCTACTGCTGGCACGATGACATCATGCAAGGTACGGCCTGG-3'
Protein context (NP_000539.2, residues 1590-1610): DKVYLGGLDV[Cys1600Trp]GEDGQFTYCW